The following is an entry in ClinVar:

ClinVar aggregate classification (germline): Pathogenic (1 of 4 stars; one submission).

Conditions:
Familial intrahepatic cholestasis. Identifiers: Orphanet 284385, MedGen CN296401, MONDO:0017290.

Submission:

Genomenon, Inc
Classification: Pathogenic for Familial intrahepatic cholestasis. Last evaluated: 2026-04-14. Review status: criteria provided, single submitter. Criteria: Genomenon Sequence Variant Interpretation Standards - Updated. Collection method: curation. Allele origin: germline. Affected: yes.
Comment: ABCB11 p.Lys30AsnfsTer31 (c.90_93del) is a frameshift variant that results in the production of a truncated protein which is predicted to undergo nonsense-mediated mRNA decay. This variant has been observed in at least one proband with an ABCB11-related disorder (PMID:19750581). It is absent or not present at a significant frequency in gnomAD. In conclusion, we classify ABCB11 p.Lys30AsnfsTer31 (c.90_93del) as a pathogenic variant.

Literature cited by the submitters: PubMed 19750581.

NM_003742.4(ABCB11):c.90_93del (p.Lys30fs)

Gene: ABCB11 (ATP binding cassette subfamily B member 11; minus strand). Cytogenetic location: 2q31.1.
Variant type: Deletion.
Coding change: c.90_93del on transcript NM_003742.4 (MANE Select); coding-DNA positions 90 to 93, 4 bases deleted (GAAA; older notation c.90_93delGAAA).
Protein change: p.Lys30fs; shifts the reading frame from lysine 30.
Molecular consequence: frameshift variant.
Genome position (GRCh38, 1-based): chr2:169,016,783-169,016,786, TTTC deleted on the plus strand (GAAA on the coding strand, the reverse complement: ABCB11 is on the minus strand); deleting any 4 consecutive bases within chr2:169,016,783-169,016,788 gives the same sequence; the c. name uses the placement nearest the transcript's 3' end. VCF-style (leftmost placement, unchanged base first): chr2-169016782-ATTTC-A. GRCh37 (hg19) VCF-style: chr2-169873292-ATTTC-A.
Other names: short protein forms K30fs.
Identifiers: ClinVar variation 4846065 (VCV004846065.1).